The following is an entry in ClinVar:

ClinVar aggregate classification (germline): Uncertain significance (1 of 4 stars; one submission).

gnomAD v4.1: 2 of 1,613,430 alleles (0.00012%); highest among the groups gnomAD compares: South Asian, 0.0022%; no homozygotes.

Submission:

Labcorp Genetics (formerly Invitae), Labcorp
Classification: Uncertain significance. Last evaluated: 2025-10-09. Review status: criteria provided, single submitter. Criteria: Invitae Variant Classification Sherloc (09022015). Collection method: clinical testing. Allele origin: germline.
Comment: This sequence change replaces histidine, which is basic and polar, with glutamine, which is neutral and polar, at codon 500 of the AP3D1 protein (p.His500Gln). This variant is not present in population databases (gnomAD no frequency). This variant has not been reported in the literature in individuals affected with AP3D1-related conditions. An algorithm developed to predict the effect of missense changes on protein structure and function outputs the following: PolyPhen-2: "Benign". The glutamine amino acid residue is found in multiple mammalian species, which suggests that this missense change does not adversely affect protein function. In summary, the available evidence is currently insufficient to determine the role of this variant in disease. Therefore, it has been classified as a Variant of Uncertain Significance.

NM_001261826.3(AP3D1):c.1500C>G (p.His500Gln)

Gene: AP3D1 (adaptor related protein complex 3 subunit delta 1; minus strand). Cytogenetic location: 19p13.3.
Variant type: single nucleotide variant.
Coding change: c.1500C>G on transcript NM_001261826.3 (MANE Select); coding-DNA position 1500, C replaced by G.
Protein change: p.His500Gln; replaces histidine 500 with glutamine.
Molecular consequence: missense variant.
Genome position (GRCh38, 1-based): chr19:2,118,814, G>C on the plus strand (C>G on the coding strand, the complement: AP3D1 is on the minus strand). VCF-style: chr19-2118814-G-C. GRCh37 (hg19) VCF-style: chr19-2118813-G-C.
Other names: c.1500C>G, p.His500Gln (NM_001374799.1, NM_003938.8); short protein forms H500Q.
Identifiers: ClinVar variation 4728369 (VCV004728369.1).